The following is an entry in ClinVar:

ClinVar aggregate classification (germline): Pathogenic (1 of 4 stars; one submission).

Conditions:
Chromosome 1q21.1 deletion syndrome. Also called: CHROMOSOME 1q21.1 DELETION SYNDROME, 1.35-MB; 1q21.1 recurrent microdeletion; 1q21.1 Deletion. Identifiers: Orphanet 250989, MedGen C2675897, MONDO:0012914, OMIM 612474.

Submission:

Kasturba Medical College, Manipal, Kasturba Medical College, Manipal, Manipal Academy of Higher Education, Manipal, India
Classification: Pathogenic for Chromosome 1q21.1 deletion syndrome. Last evaluated: 2025-11-10. Review status: criteria provided, single submitter. Criteria: ACMG/ClinGen CNV Guidelines, 2019. Collection method: research. Allele origin: unknown. Inheritance: Autosomal dominant inheritance. Affected: yes. Observed: 1 heterozygote.
Comment: Copy number variant (CNV) analysis using the exome sequencing data revealed a heterozygous deletion in chromosome 1 at the cytoband 1q21.1. Validation of the CNV by chromosomal microarray (CMA), confirmed a known pathogenic 2.127 Mb heterozygous deletion at cytoband 1q21.1-q21.2 {arr[GRCh38]1q21.1q21.2(146231513_148358701)x1}. The heterozygous deletion on chromosome 1 encompasses the 1q21.1 recurrent microdeletion syndrome (MIM#612474) which is associated with mild to moderate intellectual disability and dysmorphism.

GRCh38/hg38 1q21.1-21.2(chr1:146231513-148358701)x3

Genes: ACP6 (acid phosphatase 6, lysophosphatidic; minus strand), BCL9 (BCL9 transcription coactivator; plus strand), CH17-408M7.1 (uncharacterized LOC102724558; plus strand), CHD1L (chromodomain helicase DNA binding protein 1 like; plus strand), FMO5 (flavin containing dimethylaniline monoxygenase 5; minus strand) and 52 more. Cytogenetic location: 1q21.1-21.2.
Variant type: copy number gain.
Change: copy number 3 (three copies instead of two) of chr1:146,231,513-148,358,701 (2.13 Mb, GRCh38 coordinates, 1-based), cytogenetic band 1q21.1-21.2.
Identifiers: ClinVar variation 4528902 (VCV004528902.1).